The following is an entry in ClinVar:

ClinVar aggregate classification (germline): Uncertain significance. Review status: criteria provided, multiple submitters, no conflicts (2 of 4 stars). 2 submissions from 2 submitters: Uncertain significance (2). Last evaluated 2024-11-27.

Conditions:
Inborn genetic diseases. Identifiers: MedGen C0950123, MeSH D030342.

gnomAD v4.1: 3 of 1,513,760 alleles (0.0002%); highest among the groups gnomAD compares: Admixed American, 0.0046%; no homozygotes.

Submissions (2):

Labcorp Genetics (formerly Invitae), Labcorp
Classification: Uncertain significance. Last evaluated: 2024-11-27. Review status: criteria provided, single submitter. Criteria: Invitae Variant Classification Sherloc (09022015). Collection method: clinical testing. Allele origin: germline.
Comment: This sequence change replaces proline, which is neutral and non-polar, with serine, which is neutral and polar, at codon 1484 of the CDK13 protein (p.Pro1484Ser). This variant is present in population databases (no rsID available, gnomAD 0.005%). This variant has not been reported in the literature in individuals affected with CDK13-related conditions. Invitae Evidence Modeling of protein sequence and biophysical properties (such as structural, functional, and spatial information, amino acid conservation, physicochemical variation, residue mobility, and thermodynamic stability) indicates that this missense variant is not expected to disrupt CDK13 protein function with a negative predictive value of 95%. In summary, the available evidence is currently insufficient to determine the role of this variant in disease. Therefore, it has been classified as a Variant of Uncertain Significance.

Ambry Genetics
Classification: Uncertain significance for Inborn genetic diseases. Last evaluated: 2024-05-28. Review status: criteria provided, single submitter. Criteria: Ambry Variant Classification Scheme 2023. Collection method: clinical testing. Allele origin: germline.

NM_003718.5(CDK13):c.4450C>T (p.Pro1484Ser)

Gene: CDK13 (cyclin dependent kinase 13; plus strand). Cytogenetic location: 7p14.1.
Variant type: single nucleotide variant.
Coding change: c.4450C>T on transcript NM_003718.5 (MANE Select); coding-DNA position 4450, C replaced by T.
Protein change: p.Pro1484Ser; replaces proline 1484 with serine.
Molecular consequence: missense variant.
Genome position (GRCh38, 1-based): chr7:40,094,891, C>T. VCF-style: chr7-40094891-C-T. GRCh37 (hg19) VCF-style: chr7-40134490-C-T.
Other names: c.4270C>T, p.Pro1424Ser (NM_031267.4); short protein forms P1424S, P1484S.
Identifiers: ClinVar variation 3265427 (VCV003265427.3).